The following is an entry in ClinVar:

NM_004415.4(DSP):c.1545G>A (p.Pro515=)

Gene: DSP (desmoplakin; plus strand). Cytogenetic location: 6p24.3.
Variant type: single nucleotide variant.
Coding change: c.1545G>A on transcript NM_004415.4 (MANE Select); coding-DNA position 1545, G replaced by A.
Protein change: p.Pro515=; no amino-acid change (proline 515 retained).
Molecular consequence: synonymous variant.
Genome position (GRCh38, 1-based): chr6:7,569,311, G>A. VCF-style: chr6-7569311-G-A. GRCh37 (hg19) VCF-style: chr6-7569544-G-A.
Other names: c.1545G>A (LRG_423t1); c.1545G>A, p.Pro515= (NM_001008844.3, NM_001319034.2).
Identifiers: ClinVar variation 391543 (VCV000391543.32), dbSNP rs747953037, ClinGen allele CA028657.

ClinVar aggregate classification (germline): Likely benign. Review status: criteria provided, multiple submitters, no conflicts (2 of 4 stars). 7 submissions from 7 submitters: Likely benign (7). Last evaluated 2025-07-03.

Conditions:
Keratosis palmoplantaris striata 2. Also called: Keratosis palmoplantaris striata II; KERATODERMA, PALMOPLANTAR, STRIATE FORM II; STRIATE PALMOPLANTAR KERATODERMA II. Identifiers: MedGen C1852127, MONDO:0013034, OMIM 612908.
Arrhythmogenic cardiomyopathy with wooly hair and keratoderma. Also called: PALMOPLANTAR KERATODERMA WITH LEFT VENTRICULAR CARDIOMYOPATHY AND WOOLLY HAIR; Carvajal syndrome; Dilated cardiomyopathy with woolly hair and keratoderma; Arrhythmogenic cardiomyopathy with woolly hair and keratoderma. Identifiers: Orphanet 65282, MedGen C1854063, MONDO:0011581, OMIM 605676.
Cardiomyopathy, dilated, with wooly hair, keratoderma, and tooth agenesis. Also called: Cardiomyopathy, dilated, with woolly hair, keratoderma, and tooth agenesis; Erythrokeratodermia-cardiomyopathy syndrome. Identifiers: Orphanet 476096, Orphanet 65282, MedGen C4014393, MONDO:0014355, OMIM 615821.
Woolly hair-skin fragility syndrome (WHSF). Identifiers: Orphanet 293165, MedGen C1843292, MONDO:0957307, OMIM 620415.
Lethal acantholytic epidermolysis bullosa (EBLA). Identifiers: Orphanet 158687, MedGen C1864826, MONDO:0012323, OMIM 609638.
Arrhythmogenic right ventricular dysplasia 8 (ARVD8). Also called: Arrhythmogenic Right Ventricular Dysplasia/Cardiomyopathy 8; ARRHYTHMOGENIC RIGHT VENTRICULAR DYSPLASIA, FAMILIAL, 8; ARRHYTHMOGENIC RIGHT VENTRICULAR CARDIOMYOPATHY 8. Identifiers: MedGen C1843896, MONDO:0011831, OMIM 607450.
Cardiomyopathy (CMYO). Also called: Cardiomyopathies. Identifiers: Orphanet 167848, MedGen C0878544, MONDO:0004994, HP:0001638. Inheritance: Various modes of inheritance.
Cardiovascular phenotype. Identifiers: MedGen CN230736.

Allele frequency attached by ClinVar (database versions not stated): gnomAD 0.00001 and 0.00003; TOPMed 0.00002; gnomAD exomes 0.00004 and 0.00009; ExAC 0.00007.
gnomAD v4.1: 66 of 1,613,956 alleles (0.0041%); highest among the groups gnomAD compares: South Asian, 0.029%; 1 homozygote.

Submissions (7):

Labcorp Genetics (formerly Invitae), Labcorp
Classification: Likely benign for Arrhythmogenic cardiomyopathy with wooly hair and keratoderma; Arrhythmogenic right ventricular dysplasia 8. Last evaluated: 2025-07-03. Review status: criteria provided, single submitter. Criteria: Invitae Variant Classification Sherloc (09022015). Collection method: clinical testing. Allele origin: germline.

CeGaT Center for Human Genetics Tuebingen
Classification: Likely benign. Last evaluated: 2024-10-01. Review status: criteria provided, single submitter. Criteria: CeGaT Center For Human Genetics Tuebingen Variant Classification Criteria Version 2. Collection method: clinical testing. Allele origin: germline. Affected: yes. Observed: 2 variant alleles.
Comment: DSP: BP4, BP7

Blueprint Genetics
Classification: Likely benign. Last evaluated: 2024-09-30. Review status: criteria provided, single submitter. Criteria: ACMG Guidelines, 2015. Collection method: clinical testing. Allele origin: germline.

Ambry Genetics
Classification: Likely benign for Cardiovascular phenotype. Last evaluated: 2023-08-29. Review status: criteria provided, single submitter. Criteria: Ambry Variant Classification Scheme 2023. Collection method: clinical testing. Allele origin: germline.

Fulgent Genetics
Classification: Likely benign for Arrhythmogenic cardiomyopathy with wooly hair and keratoderma; Arrhythmogenic right ventricular dysplasia 8; Lethal acantholytic epidermolysis bullosa; Keratosis palmoplantaris striata 2; Cardiomyopathy, dilated, with wooly hair, keratoderma, and tooth agenesis. Last evaluated: 2021-08-25. Review status: criteria provided, single submitter. Criteria: ACMG Guidelines, 2015. Collection method: clinical testing. Allele origin: unknown.

Color Diagnostics, LLC DBA Color Health
Classification: Likely benign for Cardiomyopathy. Last evaluated: 2018-03-23. Review status: criteria provided, single submitter. Criteria: ACMG Guidelines, 2015. Collection method: clinical testing. Allele origin: germline.

GeneDx
Classification: Likely benign. Last evaluated: 2016-12-07. Review status: criteria provided, single submitter. Criteria: GeneDx Variant Classification (06012015). Collection method: clinical testing. Allele origin: germline. Affected: yes.
Comment: This variant is considered likely benign or benign based on one or more of the following criteria: it is a conservative change, it occurs at a poorly conserved position in the protein, it is predicted to be benign by multiple in silico algorithms, and/or has population frequency not consistent with disease.